The following is an entry in ClinVar:

NM_005120.3(MED12):c.4708G>A (p.Val1570Ile)

Gene: MED12 (mediator complex subunit 12; plus strand). Cytogenetic location: Xq13.1.
Variant type: single nucleotide variant.
Coding change: c.4708G>A on transcript NM_005120.3 (MANE Select); coding-DNA position 4708, G replaced by A.
Protein change: p.Val1570Ile; replaces valine 1570 with isoleucine.
Molecular consequence: missense variant.
Genome position (GRCh38, 1-based): chrX:71,134,447, G>A. VCF-style: chrX-71134447-G-A. GRCh37 (hg19) VCF-style: chrX-70354297-G-A.
Other names: short protein forms V1570I.
Identifiers: ClinVar variation 4737676 (VCV004737676.1).

ClinVar aggregate classification (germline): Uncertain significance (1 of 4 stars; one submission).

Conditions:
FG syndrome (FGS). Identifiers: MedGen C0220769, MONDO:0002010.

Submission:

Labcorp Genetics (formerly Invitae), Labcorp
Classification: Uncertain significance for FG syndrome. Last evaluated: 2025-07-15. Review status: criteria provided, single submitter. Criteria: Invitae Variant Classification Sherloc (09022015). Collection method: clinical testing. Allele origin: germline.
Comment: This sequence change replaces valine, which is neutral and non-polar, with isoleucine, which is neutral and non-polar, at codon 1570 of the MED12 protein (p.Val1570Ile). This variant is not present in population databases (gnomAD no frequency). This variant has not been reported in the literature in individuals affected with MED12-related conditions. Invitae Evidence Modeling of protein sequence and biophysical properties (such as structural, functional, and spatial information, amino acid conservation, physicochemical variation, residue mobility, and thermodynamic stability) indicates that this missense variant is not expected to disrupt MED12 protein function with a negative predictive value of 95%. In summary, the available evidence is currently insufficient to determine the role of this variant in disease. Therefore, it has been classified as a Variant of Uncertain Significance.